The following is an entry in ClinVar:

ClinVar aggregate classification (germline): Benign. Review status: criteria provided, multiple submitters, no conflicts (2 of 4 stars). 13 submissions from 10 submitters: Benign (11). 2 of the submissions do not count toward it. Last evaluated 2026-02-04.

Conditions:
Baller-Gerold syndrome (BGS). Also called: CRANIOSYNOSTOSIS WITH RADIAL DEFECTS. Identifiers: Orphanet 1225, MedGen C0265308, MONDO:0009039, OMIM 218600.
Rapadilino syndrome. Identifiers: Orphanet 3021, MedGen C1849453, MONDO:0009955, OMIM 266280.
Rothmund-Thomson syndrome type 2 (RTS2). Identifiers: Orphanet 221016, MedGen C5203410, MONDO:0016369, OMIM 268400.

Allele frequency attached by ClinVar (database versions not stated): ESP Exome Variant Server 0.35052; TOPMed 0.37434; gnomAD 0.37577 and 0.38704; 1000 Genomes Project 30x 0.39022; 1000 Genomes Project 0.39457; gnomAD exomes 0.46824 and 0.47658; ExAC 0.48016.
gnomAD v4.1: 739,287 of 1,607,346 alleles (46%); highest among the groups gnomAD compares: South Asian, 56%; 175,756 homozygotes.

Submissions (13):

Labcorp Genetics (formerly Invitae), Labcorp
Classification: Benign for Baller-Gerold syndrome. Last evaluated: 2026-02-04. Review status: criteria provided, single submitter. Criteria: Invitae Variant Classification Sherloc (09022015). Collection method: clinical testing. Allele origin: germline.

KCCC/NGS Laboratory, Kuwait Cancer Control Center
Classification: Benign for Rapadilino syndrome. Last evaluated: 2025-02-01. Review status: criteria provided, single submitter. Criteria: ACMG Guidelines, 2015. Collection method: clinical testing. Allele origin: germline. Affected: no.

Blueprint Genetics
Classification: Benign. Last evaluated: 2024-11-27. Review status: criteria provided, single submitter. Criteria: ACMG Guidelines, 2015. Collection method: clinical testing. Allele origin: germline.

KCCC/NGS Laboratory, Kuwait Cancer Control Center
Classification: Benign for Rothmund-Thomson syndrome type 2. Last evaluated: 2023-07-07. Review status: criteria provided, single submitter. Criteria: ACMG Guidelines, 2015. Collection method: clinical testing. Allele origin: germline. Affected: yes.

Genome-Nilou Lab
Classification: Benign for Baller-Gerold syndrome. Last evaluated: 2021-11-07. Review status: criteria provided, single submitter. Criteria: ACMG Guidelines, 2015. Collection method: clinical testing. Allele origin: germline. Affected: no.

Genome-Nilou Lab
Classification: Benign for Rapadilino syndrome. Last evaluated: 2021-11-07. Review status: criteria provided, single submitter. Criteria: ACMG Guidelines, 2015. Collection method: clinical testing. Allele origin: germline. Affected: no.

Genome-Nilou Lab
Classification: Benign for Rothmund-Thomson syndrome type 2. Last evaluated: 2021-11-07. Review status: criteria provided, single submitter. Criteria: ACMG Guidelines, 2015. Collection method: clinical testing. Allele origin: germline. Affected: no.

Laboratory for Molecular Medicine, Mass General Brigham Personalized Medicine
Classification: Benign. Last evaluated: 2016-03-29. Review status: criteria provided, single submitter. Criteria: LMM Criteria. Collection method: clinical testing. Allele origin: germline.
Comment: Variant identified in a genome or exome case(s) and assessed due to predicted null impact of the variant or pathogenic assertions in the literature or databases. Disclaimer: This variant has not undergone full assessment. The following are preliminary notes: Frequency

Eurofins Ntd Llc (ga)
Classification: Benign. Last evaluated: 2014-05-08. Review status: criteria provided, single submitter. Criteria: EGL Classification Definitions 2015. Collection method: clinical testing. Allele origin: germline. Observed: 12 variant alleles, 8 heterozygotes, 4 homozygotes.

Breakthrough Genomics
Classification: Benign. Review status: criteria provided, single submitter. Criteria: ACMG Guidelines, 2015. Collection method: not provided. Allele origin: germline. Inheritance: Autosomal recessive inheritance. Affected: yes.

PreventionGenetics, part of Exact Sciences
Classification: Benign. Review status: criteria provided, single submitter. Criteria: ACMG Guidelines, 2015. Collection method: clinical testing. Allele origin: germline.

Diagnostic Laboratory, Department of Genetics, University Medical Center Groningen
Classification: Benign. Review status: no assertion criteria provided. Collection method: clinical testing. Allele origin: germline. Affected: yes. Study: VKGL Data-share Consensus. Not counted in ClinVar's aggregate classification.

Joint Genome Diagnostic Labs from Nijmegen and Maastricht, Radboudumc and MUMC+
Classification: Benign. Review status: no assertion criteria provided. Collection method: clinical testing. Allele origin: germline. Affected: yes. Study: VKGL Data-share Consensus. Not counted in ClinVar's aggregate classification.

NM_004260.4(RECQL4):c.1621-15C>T

Gene: RECQL4 (RecQ like helicase 4; minus strand). Cytogenetic location: 8q24.3.
Variant type: single nucleotide variant.
Coding change: c.1621-15C>T on transcript NM_004260.4 (MANE Select); 15 bases into the intron before coding-DNA position 1621, C replaced by T.
Molecular consequence: intron variant.
Genome position (GRCh38, 1-based): chr8:144,514,540, G>A on the plus strand (C>T on the coding strand, the complement: RECQL4 is on the minus strand). VCF-style: chr8-144514540-G-A. GRCh37 (hg19) VCF-style: chr8-145739924-G-A.
Identifiers: ClinVar variation 94886 (VCV000094886.27), dbSNP rs4244611, ClinGen allele CA147883.
Genomic context (GRCh38, chr8:144,514,540, plus strand): 5'-CCGAGTGTATGCAGGCCGCCTTGAGACACGGTGGCAGGCCAGACACCTGCAAATGCAGGA[G>A]CGACAGCCGTCATACGCCAGCCCAGCCCTGGCCCTTCCCCAAGTCATCCCAGAGCTGCTG-3'